The following is an entry in ClinVar:

NM_000548.5(TSC2):c.2356-2_2373dup

Gene: TSC2 (TSC complex subunit 2; plus strand). Cytogenetic location: 16p13.3.
Variant type: Duplication.
Coding change: c.2356-2_2373dup on transcript NM_000548.5 (MANE Select); the canonical splice acceptor site of the intron before coding-DNA position 2356 through coding-DNA position 2373, 20 bases duplicated (AGCGCGAGATGGTCTACTGC).
Molecular consequence: splice acceptor variant.
Genome position (GRCh38, 1-based): chr16:2,074,198-2,074,217, AGCGCGAGATGGTCTACTGC duplicated; duplicating any 20 consecutive bases within chr16:2,074,194-2,074,217 gives the same sequence; the c. name uses the placement nearest the transcript's 3' end. VCF-style (leftmost placement, unchanged base first): chr16-2074193-C-CCTGCAGCGCGAGATGGTCTA. GRCh37 (hg19) VCF-style: chr16-2124194-C-CCTGCAGCGCGAGATGGTCTA.
Other names: c.2299-2_2316dup (NM_001406677.1); c.2209-2_2226dup (NM_001406675.1, NM_001406676.1, NM_001318829.2 and 1 more transcripts); c.1756-2_1773dup (NM_001406686.1, NM_001406680.1, NM_001406683.1 and 6 more transcripts); c.2389-2_2406dup (NM_001318832.2); c.1012-2_1029dup (NM_001406693.1, NM_001406689.1, NM_001406690.1 and 6 more transcripts); c.2446-2_2463dup (NM_001406667.1, NM_001406668.1); c.754-2_771dup (NM_001406698.1); c.2356-2_2373dup (NM_001114382.3, NM_001406663.1, NM_001406664.1 and 6 more transcripts); and 3 more.
Identifiers: ClinVar variation 2750884 (VCV002750884.3), dbSNP rs2543810488, ClinGen allele CA2697549493.

ClinVar aggregate classification (germline): Uncertain significance (1 of 4 stars; one submission).

Conditions:
Tuberous sclerosis 2 (TSC2). Identifiers: Orphanet 805, MedGen C1860707, MONDO:0013199, OMIM 613254.

Submission:

Labcorp Genetics (formerly Invitae), Labcorp
Classification: Uncertain significance for Tuberous sclerosis 2. Last evaluated: 2023-08-07. Review status: criteria provided, single submitter. Criteria: Invitae Variant Classification Sherloc (09022015). Collection method: clinical testing. Allele origin: germline.
Comment: In summary, the available evidence is currently insufficient to determine the role of this variant in disease. Therefore, it has been classified as a Variant of Uncertain Significance. Algorithms developed to predict the effect of sequence changes on RNA splicing suggest that this variant may disrupt the consensus splice site. This variant is also known as c.2356-2_2373dup (p.Leu792Serfs*44). This variant has not been reported in the literature in individuals affected with TSC2-related conditions. This variant is not present in population databases (gnomAD no frequency). This sequence change falls in intron 21 of the TSC2 gene. It does not directly change the encoded amino acid sequence of the TSC2 protein.